The following is an entry in ClinVar:

NM_022726.4(ELOVL4):c.720C>G (p.Asp240Glu)

Gene: ELOVL4 (ELOVL fatty acid elongase 4; minus strand). Cytogenetic location: 6q14.1.
Variant type: single nucleotide variant.
Coding change: c.720C>G on transcript NM_022726.4 (MANE Select); coding-DNA position 720, C replaced by G.
Protein change: p.Asp240Glu; replaces aspartic acid 240 with glutamic acid.
Molecular consequence: missense variant.
Genome position (GRCh38, 1-based): chr6:79,916,833, G>C on the plus strand (C>G on the coding strand, the complement: ELOVL4 is on the minus strand). VCF-style: chr6-79916833-G-C. GRCh37 (hg19) VCF-style: chr6-80626550-G-C.
Other names: short protein forms D240E.
Identifiers: ClinVar variation 1929649 (VCV001929649.5), dbSNP rs895606150, ClinGen allele CA142270660.

ClinVar aggregate classification (germline): Uncertain significance (1 of 4 stars; one submission).

Allele frequency attached by ClinVar (database versions not stated): gnomAD exomes below 0.00001; TOPMed 0.00002.

Submission:

Labcorp Genetics (formerly Invitae), Labcorp
Classification: Uncertain significance. Last evaluated: 2024-04-15. Review status: criteria provided, single submitter. Criteria: Invitae Variant Classification Sherloc (09022015). Collection method: clinical testing. Allele origin: germline.
Comment: This sequence change replaces aspartic acid, which is acidic and polar, with glutamic acid, which is acidic and polar, at codon 240 of the ELOVL4 protein (p.Asp240Glu). This variant is present in population databases (no rsID available, gnomAD 0.0009%). This variant has not been reported in the literature in individuals affected with ELOVL4-related conditions. ClinVar contains an entry for this variant (Variation ID: 1929649). Advanced modeling of protein sequence and biophysical properties (such as structural, functional, and spatial information, amino acid conservation, physicochemical variation, residue mobility, and thermodynamic stability) performed at Invitae indicates that this missense variant is not expected to disrupt ELOVL4 protein function with a negative predictive value of 80%. In summary, the available evidence is currently insufficient to determine the role of this variant in disease. Therefore, it has been classified as a Variant of Uncertain Significance.